The following is an entry in ClinVar:

NM_001110556.2(FLNA):c.4589T>C (p.Val1530Ala)

Gene: FLNA (filamin A; minus strand). Cytogenetic location: Xq28.
Variant type: single nucleotide variant.
Coding change: c.4589T>C on transcript NM_001110556.2 (MANE Select); coding-DNA position 4589, T replaced by C.
Protein change: p.Val1530Ala; replaces valine 1530 with alanine.
Molecular consequence: missense variant.
Genome position (GRCh38, 1-based): chrX:154,358,454, A>G on the plus strand (T>C on the coding strand, the complement: FLNA is on the minus strand). VCF-style: chrX-154358454-A-G. GRCh37 (hg19) VCF-style: chrX-153586822-A-G.
Other names: c.4589T>C (NM_001110556.1); c.4589T>C, p.Val1530Ala (NM_001456.4); short protein forms V1530A.
Identifiers: ClinVar variation 807863 (VCV000807863.46), dbSNP rs1603360612, ClinGen allele CA415215232.

ClinVar aggregate classification (germline): Uncertain significance. Review status: criteria provided, multiple submitters, no conflicts (2 of 4 stars). 3 submissions from 3 submitters: Uncertain significance (3). Last evaluated 2026-07-23.

Conditions:
FLNA-related disorder.
Heterotopia, periventricular, X-linked dominant (PVNH1). Also called: PERIVENTRICULAR NODULAR HETEROTOPIA 1; X-linked periventricular heterotopia; PERIVENTRICULAR NODULAR HETEROTOPIA 4; HETEROTOPIA, PERIVENTRICULAR, 1. Identifiers: Orphanet 2149, Orphanet 82004, MedGen C1848213, MONDO:0010233, OMIM 300049.
Melnick-Needles syndrome (MNS). Also called: Melnick-Needles Syndrome (FLNA-MNS); MELNICK-NEEDLES OSTEODYSPLASTY; OSTEODYSPLASTY OF MELNICK AND NEEDLES. Identifiers: Orphanet 2484, MedGen C0025237, MONDO:0010650, OMIM 309350.
Frontometaphyseal dysplasia (FMD1). Identifiers: Orphanet 1826, MedGen C0265293, MONDO:0015942.
Oto-palato-digital syndrome, type II (OPD2). Also called: FACIOPALATOOSSEOUS SYNDROME; Otopalatodigital Syndrome Type 2 (FLNA-OPD2); OPD II SYNDROME; Otopalatodigital Syndrome, Type II. Identifiers: Orphanet 669, Orphanet 90652, MedGen C1844696, MONDO:0010571, OMIM 304120.

Allele frequency attached by ClinVar (database versions not stated): gnomAD exomes below 0.00001.
gnomAD v4.1: 3 of 1,210,622 alleles (0.00025%); highest among the groups gnomAD compares: Middle Eastern, 0.023%; no homozygotes.

Submissions (3):

PreventionGenetics, part of Exact Sciences
Classification: Uncertain significance for FLNA-related condition. Last evaluated: 2026-07-23. Review status: criteria provided, single submitter. Criteria: ACMG Guidelines, 2015. Collection method: clinical testing. Allele origin: germline.
Comment: The FLNA c.4589T>C variant is predicted to result in the amino acid substitution p.Val1530Ala. To our knowledge, this variant has not been reported in the literature or in a large population database (gnomAD), indicating this variant is rare. At this time, the clinical significance of this variant is uncertain due to the absence of conclusive functional and genetic evidence.

Labcorp Genetics (formerly Invitae), Labcorp
Classification: Uncertain significance for Oto-palato-digital syndrome, type II; Heterotopia, periventricular, X-linked dominant; Frontometaphyseal dysplasia; Melnick-Needles syndrome. Last evaluated: 2024-06-24. Review status: criteria provided, single submitter. Criteria: Invitae Variant Classification Sherloc (09022015). Collection method: clinical testing. Allele origin: germline.
Comment: This sequence change replaces valine, which is neutral and non-polar, with alanine, which is neutral and non-polar, at codon 1530 of the FLNA protein (p.Val1530Ala). This variant is not present in population databases (gnomAD no frequency). This variant has not been reported in the literature in individuals affected with FLNA-related conditions. ClinVar contains an entry for this variant (Variation ID: 807863). Advanced modeling of protein sequence and biophysical properties (such as structural, functional, and spatial information, amino acid conservation, physicochemical variation, residue mobility, and thermodynamic stability) performed at Invitae indicates that this missense variant is not expected to disrupt FLNA protein function with a negative predictive value of 95%. In summary, the available evidence is currently insufficient to determine the role of this variant in disease. Therefore, it has been classified as a Variant of Uncertain Significance.

CeGaT Center for Human Genetics Tuebingen
Classification: Uncertain significance. Last evaluated: 2018-05-01. Review status: criteria provided, single submitter. Criteria: CeGaT Center For Human Genetics Tuebingen Variant Classification Criteria Version 2. Collection method: clinical testing. Allele origin: germline. Affected: yes. Observed: 1 variant allele.